The following is an entry in ClinVar:

NM_017637.6(BNC2):c.3019G>A (p.Glu1007Lys)

Gene: BNC2 (basonuclin zinc finger protein 2; minus strand). Cytogenetic location: 9p22.3.
Variant type: single nucleotide variant.
Coding change: c.3019G>A on transcript NM_017637.6 (MANE Select); coding-DNA position 3019, G replaced by A.
Protein change: p.Glu1007Lys; replaces glutamic acid 1007 with lysine.
Molecular consequence: missense variant. On other transcripts: 3 prime UTR variant (1).
Genome position (GRCh38, 1-based): chr9:16,419,270, C>T on the plus strand (G>A on the coding strand, the complement: BNC2 is on the minus strand). VCF-style: chr9-16419270-C-T. GRCh37 (hg19) VCF-style: chr9-16419268-C-T.
Other names: c.*363G>A (NM_001317939.2); c.2734G>A, p.Glu912Lys (NM_001317940.2); short protein forms E1007K, E912K.
Identifiers: ClinVar variation 2177760 (VCV002177760.6), dbSNP rs552303945, ClinGen allele CA4995635.

ClinVar aggregate classification (germline): Uncertain significance. Review status: criteria provided, multiple submitters, no conflicts (2 of 4 stars). 2 submissions from 2 submitters: Uncertain significance (2). Last evaluated 2025-08-21.

Conditions:
Inborn genetic diseases. Identifiers: MedGen C0950123, MeSH D030342.

Allele frequency attached by ClinVar (database versions not stated): ExAC 0.00002; 1000 Genomes Project 30x 0.00016; 1000 Genomes Project 0.00020.
gnomAD v4.1: 16 of 1,614,178 alleles (0.00099%); highest among the groups gnomAD compares: African/African-American, 0.0027%; no homozygotes.

Submissions (2):

Ambry Genetics
Classification: Uncertain significance for Inborn genetic diseases. Last evaluated: 2025-08-21. Review status: criteria provided, single submitter. Criteria: Ambry Variant Classification Scheme 2023. Collection method: clinical testing. Allele origin: germline.

Labcorp Genetics (formerly Invitae), Labcorp
Classification: Uncertain significance. Last evaluated: 2025-02-17. Review status: criteria provided, single submitter. Criteria: Invitae Variant Classification Sherloc (09022015). Collection method: clinical testing. Allele origin: germline.
Comment: This sequence change replaces glutamic acid, which is acidic and polar, with lysine, which is basic and polar, at codon 1007 of the BNC2 protein (p.Glu1007Lys). This variant is present in population databases (rs552303945, gnomAD 0.03%). This variant has not been reported in the literature in individuals affected with BNC2-related conditions. ClinVar contains an entry for this variant (Variation ID: 2177760). An algorithm developed to predict the effect of missense changes on protein structure and function (PolyPhen-2) suggests that this variant is likely to be tolerated. In summary, the available evidence is currently insufficient to determine the role of this variant in disease. Therefore, it has been classified as a Variant of Uncertain Significance.